The following is an entry in ClinVar:

NM_001918.5(DBT):c.1384C>T (p.Arg462Cys)

Gene: DBT (dihydrolipoamide branched chain transacylase E2; minus strand). Cytogenetic location: 1p21.2.
Variant type: single nucleotide variant.
Coding change: c.1384C>T on transcript NM_001918.5 (MANE Select); coding-DNA position 1384, C replaced by T.
Protein change: p.Arg462Cys; replaces arginine 462 with cysteine.
Molecular consequence: missense variant.
Genome position (GRCh38, 1-based): chr1:100,196,320, G>A on the plus strand (C>T on the coding strand, the complement: DBT is on the minus strand). VCF-style: chr1-100196320-G-A. GRCh37 (hg19) VCF-style: chr1-100661876-G-A.
Other names: short protein forms R462C.
Identifiers: ClinVar variation 1505569 (VCV001505569.6), dbSNP rs765257706, ClinGen allele CA969461.

ClinVar aggregate classification (germline): Likely pathogenic (1 of 4 stars; one submission).

Conditions:
Maple syrup urine disease (MSUD). Identifiers: Orphanet 511, MedGen C0024776, MeSH D008375, MONDO:0009563. Disease mechanism: loss of function.

Allele frequency attached by ClinVar (database versions not stated): ExAC 0.00001; gnomAD 0.00001; gnomAD exomes 0.00001; TOPMed 0.00001.
gnomAD v4.1: 12 of 1,611,524 alleles (0.00074%); highest among the groups gnomAD compares: Middle Eastern, 0.016%; no homozygotes.

Submission:

Labcorp Genetics (formerly Invitae), Labcorp
Classification: Likely pathogenic for Maple syrup urine disease. Last evaluated: 2023-06-14. Review status: criteria provided, single submitter. Criteria: Invitae Variant Classification Sherloc (09022015). Collection method: clinical testing. Allele origin: germline.
Comment: Advanced modeling of protein sequence and biophysical properties (such as structural, functional, and spatial information, amino acid conservation, physicochemical variation, residue mobility, and thermodynamic stability) performed at Invitae indicates that this missense variant is expected to disrupt DBT protein function. This variant disrupts the p.Arg462 amino acid residue in DBT. Other variant(s) that disrupt this residue have been determined to be pathogenic (PMID: 11112664, 26232051). This suggests that this residue is clinically significant, and that variants that disrupt this residue are likely to be disease-causing. In summary, the currently available evidence indicates that the variant is pathogenic, but additional data are needed to prove that conclusively. Therefore, this variant has been classified as Likely Pathogenic. ClinVar contains an entry for this variant (Variation ID: 1505569). This variant has not been reported in the literature in individuals affected with DBT-related conditions. This variant is present in population databases (rs765257706, gnomAD 0.006%). This sequence change replaces arginine, which is basic and polar, with cysteine, which is neutral and slightly polar, at codon 462 of the DBT protein (p.Arg462Cys).

Literature cited by the submitters: PubMed 11112664; PubMed 26232051.